The following is an entry in ClinVar:

ClinVar aggregate classification (germline): Uncertain significance (1 of 4 stars; one submission).

gnomAD v4.1: 1 of 1,614,232 alleles (0.000062%); highest among the groups gnomAD compares: Non-Finnish European, 0.000085%; no homozygotes.

Submission:

Labcorp Genetics (formerly Invitae), Labcorp
Classification: Uncertain significance. Last evaluated: 2025-04-16. Review status: criteria provided, single submitter. Criteria: Invitae Variant Classification Sherloc (09022015). Collection method: clinical testing. Allele origin: germline.
Comment: This sequence change replaces lysine, which is basic and polar, with asparagine, which is neutral and polar, at codon 1843 of the MYH3 protein (p.Lys1843Asn). This variant is not present in population databases (gnomAD no frequency). This variant has not been reported in the literature in individuals affected with MYH3-related conditions. ClinVar contains an entry for this variant (Variation ID: 2709234). Invitae Evidence Modeling of protein sequence and biophysical properties (such as structural, functional, and spatial information, amino acid conservation, physicochemical variation, residue mobility, and thermodynamic stability) indicates that this missense variant is not expected to disrupt MYH3 protein function with a negative predictive value of 95%. In summary, the available evidence is currently insufficient to determine the role of this variant in disease. Therefore, it has been classified as a Variant of Uncertain Significance.

NM_002470.4(MYH3):c.5529G>T (p.Lys1843Asn)

Gene: MYH3 (myosin heavy chain 3; minus strand). Cytogenetic location: 17p13.1.
Variant type: single nucleotide variant.
Coding change: c.5529G>T on transcript NM_002470.4 (MANE Select); coding-DNA position 5529, G replaced by T.
Protein change: p.Lys1843Asn; replaces lysine 1843 with asparagine.
Molecular consequence: missense variant.
Genome position (GRCh38, 1-based): chr17:10,630,125, C>A on the plus strand (G>T on the coding strand, the complement: MYH3 is on the minus strand). VCF-style: chr17-10630125-C-A. GRCh37 (hg19) VCF-style: chr17-10533442-C-A.
Other names: short protein forms K1843N.
Identifiers: ClinVar variation 2709234 (VCV002709234.3), dbSNP rs1567550667, ClinGen allele CA398130645.